The following is an entry in ClinVar:

ClinVar aggregate classification (germline): Likely benign (1 of 4 stars; one submission).

gnomAD v4.1: 12 of 1,613,850 alleles (0.00074%); highest among the groups gnomAD compares: African/African-American, 0.0013%; no homozygotes.

Submission:

Mayo Clinic Laboratories, Mayo Clinic
Classification: Likely benign. Last evaluated: 2025-03-31. Review status: criteria provided, single submitter. Criteria: ACMG Guidelines, 2015. Collection method: clinical testing. Allele origin: germline. Observed: 1 variant allele.
Comment: BS2, BP4_moderate

NM_001377137.1(GBF1):c.5252C>T (p.Thr1751Ile)

Gene: GBF1 (golgi brefeldin A resistant guanine nucleotide exchange factor 1; plus strand). Cytogenetic location: 10q24.32.
Variant type: single nucleotide variant.
Coding change: c.5252C>T on transcript NM_001377137.1 (MANE Select); coding-DNA position 5252, C replaced by T.
Protein change: p.Thr1751Ile; replaces threonine 1751 with isoleucine.
Molecular consequence: missense variant. On other transcripts: non-coding transcript variant (5), intron variant (1).
Genome position (GRCh38, 1-based): chr10:102,381,205, C>T. VCF-style: chr10-102381205-C-T. GRCh37 (hg19) VCF-style: chr10-104140962-C-T.
Other names: p.Thr1750Ile; c.5240C>T, p.Thr1747Ile (NM_001199378.2, NM_001391923.1); c.5237C>T, p.Thr1746Ile (NM_001199379.2, NM_001391924.1); c.5201C>T, p.Thr1734Ile (NM_001377138.1); c.4955C>T, p.Thr1652Ile (NM_001377139.1, NM_001391930.1); c.4943C>T, p.Thr1648Ile (NM_001377140.1); c.5249C>T, p.Thr1750Ile (NM_001377141.1, NM_004193.3); c.5336C>T, p.Thr1779Ile (NM_001391922.1); and 8 more; short protein forms T1620I, T1648I, T1652I, T1667I, T1699I, T1734I, T1735I, T1738I.
Identifiers: ClinVar variation 4683555 (VCV004683555.1).